The following continues an entry in ClinVar:

NM_002834.5(PTPN11):c.1658C>T (p.Thr553Met)

Gene: PTPN11. ClinVar aggregate classification (germline): Benign. Benign (1).

Submissions 15 to 26 of 26:

GeneDx
Classification: Benign. Last evaluated: 2016-06-06. Review status: criteria provided, single submitter. Criteria: GeneDx Variant Classification (06012015). Collection method: clinical testing. Allele origin: germline. Affected: yes. Not counted in ClinVar's aggregate classification.
Comment: This variant is considered likely benign or benign based on one or more of the following criteria: it is a conservative change, it occurs at a poorly conserved position in the protein, it is predicted to be benign by multiple in silico algorithms, and/or has population frequency not consistent with disease.

Center for Pediatric Genomic Medicine, Children's Mercy Hospital and Clinics
Classification: Likely benign. Last evaluated: 2016-01-18. Review status: criteria provided, single submitter. Criteria: ACMG Guidelines, 2015. Collection method: clinical testing. Allele origin: germline. Not counted in ClinVar's aggregate classification.
ClinVar note: Converted during submission from Likely Benign to Likely benign.

Laboratory for Molecular Medicine, Mass General Brigham Personalized Medicine
Classification: Likely benign. Last evaluated: 2015-03-16. Review status: criteria provided, single submitter. Criteria: LMM Criteria. Collection method: clinical testing. Allele origin: germline. Observed: 11 variant alleles. Not counted in ClinVar's aggregate classification.
Comment: p.Thr553Met in exon 14 of PTPN11: This variant has been reported in the literatu re in a fetus with increased nuchal translucency, which is a prenatal feature of Noonan syndrome. However, follow-up clinical information was not provided for t his fetus (Lee 2008). This variant has been identified by our laboratory in 5 in dividuals with clinical features of Noonan syndrome. However, it was also identi fied in 3 parents of unrelated probands in our laboratory who were reportedly un affected (LMM unpublished data). In addition, this variant has been identified i n 49/66556 European chromosomes by the Exome Aggregation Consortium (ExAC; dbSNP rs148176616). Threonine (Thr) at position 553 i s not conserved in mammals or evolutionarily distant species, supporting that a change at this position may be tolerated. Additional computational prediction t ools do not provide strong support for or against an impact to the protein. In s ummary, the p.Thr553Met variant is classified as likely benign based on its pres ence in multiple unaffected individuals and lack of conservation.

Eurofins Ntd Llc (ga)
Classification: Likely benign. Last evaluated: 2013-03-01. Review status: criteria provided, single submitter. Criteria: EGL Classification Definitions 2015. Collection method: clinical testing. Allele origin: germline. Not counted in ClinVar's aggregate classification.

Breakthrough Genomics
Classification: Benign. Review status: criteria provided, single submitter. Criteria: ACMG Guidelines, 2015. Collection method: not provided. Allele origin: germline. Inheritance: Autosomal dominant inheritance. Affected: yes. Not counted in ClinVar's aggregate classification.

PreventionGenetics, part of Exact Sciences
Classification: Likely benign for PTPN11-related condition. Last evaluated: 2020-03-30. Review status: no assertion criteria provided. Collection method: clinical testing. Allele origin: germline. Not counted in ClinVar's aggregate classification.
Comment: This variant is classified as likely benign based on ACMG/AMP sequence variant interpretation guidelines (Richards et al. 2015 PMID: 25741868, with internal and published modifications).

Greenwood Genetic Center Diagnostic Laboratories, Greenwood Genetic Center
Classification: Likely benign. Last evaluated: 2015-01-15. Review status: no assertion criteria provided. Collection method: clinical testing. Allele origin: germline. Not counted in ClinVar's aggregate classification.

ARUP Laboratories, Molecular Genetics and Genomics, ARUP Laboratories
Classification: Uncertain significance for Noonan syndrome. Last evaluated: 2014-01-07. Review status: no assertion criteria provided. Collection method: clinical testing. Allele origin: germline. Affected: yes. Observed: 1 variant allele. Not counted in ClinVar's aggregate classification.

Clinical Genetics DNA and cytogenetics Diagnostics Lab, Erasmus MC, Erasmus Medical Center
Classification: Likely benign. Review status: no assertion criteria provided. Collection method: clinical testing. Allele origin: germline. Affected: yes. Study: VKGL Data-share Consensus. Not counted in ClinVar's aggregate classification.

Joint Genome Diagnostic Labs from Nijmegen and Maastricht, Radboudumc and MUMC+
Classification: Likely benign. Review status: no assertion criteria provided. Collection method: clinical testing. Allele origin: germline. Affected: yes. Study: VKGL Data-share Consensus. Not counted in ClinVar's aggregate classification.

Laboratory of Diagnostic Genome Analysis, Leiden University Medical Center (LUMC)
Classification: Likely benign. Review status: no assertion criteria provided. Collection method: clinical testing. Allele origin: germline. Affected: yes. Study: VKGL Data-share Consensus. Not counted in ClinVar's aggregate classification.

Service de Génétique Moléculaire, Hôpital Robert Debré
Classification: Uncertain significance for Noonan syndrome. Review status: no assertion criteria provided. Collection method: clinical testing. Allele origin: paternal. Not counted in ClinVar's aggregate classification.

Literature cited by the submitters: PubMed 18759865 (cited by 3 submitters); PubMed 21934682 (cited by Women's Health and Genetics/Laboratory Corporation of America, LabCorp); PubMed 22923420 (cited by Women's Health and Genetics/Laboratory Corporation of America, LabCorp); PubMed 24803665 (cited by Women's Health and Genetics/Laboratory Corporation of America, LabCorp and Ambry Genetics); PubMed 27153395 (cited by Women's Health and Genetics/Laboratory Corporation of America, LabCorp); PubMed 25612910 (cited by Women's Health and Genetics/Laboratory Corporation of America, LabCorp and Ambry Genetics); PubMed 25500235 (cited by Women's Health and Genetics/Laboratory Corporation of America, LabCorp); PubMed 28051113 (cited by Women's Health and Genetics/Laboratory Corporation of America, LabCorp).